The following is an entry in ClinVar:

ClinVar aggregate classification (germline): Uncertain significance (1 of 4 stars; one submission).

Submission:

GeneDx
Classification: Uncertain significance. Last evaluated: 2022-05-31. Review status: criteria provided, single submitter. Criteria: GeneDx Variant Classification Process June 2021. Collection method: clinical testing. Allele origin: germline. Affected: yes.
Comment: Not observed at significant frequency in large population cohorts (gnomAD); In silico analysis supports that this missense variant has a deleterious effect on protein structure/function; Has not been previously published as pathogenic or benign to our knowledge

NM_170606.3(KMT2C):c.5948G>C (p.Gly1983Ala)

Gene: KMT2C (lysine methyltransferase 2C; minus strand). Cytogenetic location: 7q36.1.
Variant type: single nucleotide variant.
Coding change: c.5948G>C on transcript NM_170606.3 (MANE Select); coding-DNA position 5948, G replaced by C.
Protein change: p.Gly1983Ala; replaces glycine 1983 with alanine.
Molecular consequence: missense variant.
Genome position (GRCh38, 1-based): chr7:152,181,912, C>G on the plus strand (G>C on the coding strand, the complement: KMT2C is on the minus strand). VCF-style: chr7-152181912-C-G. GRCh37 (hg19) VCF-style: chr7-151878997-C-G.
Other names: short protein forms G1983A.
Identifiers: ClinVar variation 1801996 (VCV001801996.1), dbSNP rs2129120506, ClinGen allele CA370097175.